The following is an entry in ClinVar:

NM_017617.5(NOTCH1):c.5447A>G (p.Glu1816Gly)

Gene: NOTCH1 (notch receptor 1; minus strand). Cytogenetic location: 9q34.3.
Variant type: single nucleotide variant.
Coding change: c.5447A>G on transcript NM_017617.5 (MANE Select); coding-DNA position 5447, A replaced by G.
Protein change: p.Glu1816Gly; replaces glutamic acid 1816 with glycine.
Molecular consequence: missense variant.
Genome position (GRCh38, 1-based): chr9:136,502,026, T>C on the plus strand (A>G on the coding strand, the complement: NOTCH1 is on the minus strand). VCF-style: chr9-136502026-T-C. GRCh37 (hg19) VCF-style: chr9-139396478-T-C.
Other names: short protein forms E1816G.
Identifiers: ClinVar variation 1329312 (VCV001329312.5), dbSNP rs2133329831, ClinGen allele CA375639923.
Genomic context (GRCh38, chr9:136,502,026, plus strand): 5'-CGGGAGCCCAGGAGCCCGGGAGCCTCGCGACTCACCCGGAACTTCTTGGTCTCCAGGTCC[T>C]CGTCCCCCCACTCATTCTGGTTGTCGTCCATGAGGGCACCGTCTGAAGCGTTCTTCAGGG-3'
Protein context (NP_060087.3, residues 1806-1826): MDDNQNEWGD[Glu1816Gly]DLETKKFRFE

ClinVar aggregate classification (germline): Uncertain significance. Review status: criteria provided, multiple submitters, no conflicts (2 of 4 stars). 2 submissions from 2 submitters: Uncertain significance (2). Last evaluated 2023-06-27.

Conditions:
Adams-Oliver syndrome 5 (AOS5). Identifiers: Orphanet 974, MedGen C4014970, MONDO:0014459, OMIM 616028.
Familial thoracic aortic aneurysm and aortic dissection (TAAD). Also called: Thoracic aortic aneurysms and dissections. Identifiers: Orphanet 91387, MedGen C4707243, MONDO:0019625.

Allele frequency attached by ClinVar (database versions not stated): gnomAD exomes below 0.00001.
gnomAD v4.1: 1 of 1,613,242 alleles (0.000062%); highest among the groups gnomAD compares: Admixed American, 0.0017%; no homozygotes.

Submissions (2):

Labcorp Genetics (formerly Invitae), Labcorp
Classification: Uncertain significance for Adams-Oliver syndrome 5. Last evaluated: 2023-06-27. Review status: criteria provided, single submitter. Criteria: Invitae Variant Classification Sherloc (09022015). Collection method: clinical testing. Allele origin: germline.
Comment: In summary, the available evidence is currently insufficient to determine the role of this variant in disease. Therefore, it has been classified as a Variant of Uncertain Significance. Advanced modeling of protein sequence and biophysical properties (such as structural, functional, and spatial information, amino acid conservation, physicochemical variation, residue mobility, and thermodynamic stability) performed at Invitae indicates that this missense variant is not expected to disrupt NOTCH1 protein function. ClinVar contains an entry for this variant (Variation ID: 1329312). This variant has not been reported in the literature in individuals affected with NOTCH1-related conditions. This variant is not present in population databases (gnomAD no frequency). This sequence change replaces glutamic acid, which is acidic and polar, with glycine, which is neutral and non-polar, at codon 1816 of the NOTCH1 protein (p.Glu1816Gly).

CHEO Genetics Diagnostic Laboratory, Children's Hospital of Eastern Ontario
Classification: Uncertain significance for Familial thoracic aortic aneurysm and aortic dissection. Last evaluated: 2021-03-12. Review status: criteria provided, single submitter. Criteria: ACMG Guidelines, 2015. Collection method: clinical testing. Allele origin: germline.